The following is an entry in ClinVar:

ClinVar aggregate classification (germline): Likely pathogenic (1 of 4 stars; one submission).

Conditions:
Mitochondrial complex I deficiency, nuclear type 1. Also called: NADH-COENZYME Q REDUCTASE DEFICIENCY; MITOCHONDRIAL NADH DEHYDROGENASE COMPONENT OF COMPLEX I, DEFICIENCY OF. Identifiers: MedGen C6022305, MONDO:0100224, OMIM 252010.

Submission:

Lifecell International Pvt. Ltd
Classification: Likely pathogenic for Mitochondrial complex I deficiency, nuclear type 1. Review status: criteria provided, single submitter. Criteria: ACMG Guidelines, 2015. Collection method: clinical testing. Allele origin: germline. Inheritance: Autosomal recessive inheritance. Affected: yes. Observed: 1 compound heterozygote.
Comment: A Heterozygous Intron, Splice site acceptor variant c.351-1G>C in Exon 3 of the NDUFS4 gene that results in the amino acid substitution was identified. The observed variant is novel in gnomAD exomes and genomes, respectively. The severity of the impact of this variant on the protein is high, based on the effect of the protein and REVEL score . Rare Exome Variant Ensemble Learner (REVEL) is an ensembl method for predicting the pathogenicity of missense variants based on a combination of scores from 13 individual tools: MutPred, FATHMM v2.3, VEST 3.0, PolyPhen-2, SIFT, PROVEAN, MutationAssessor, MutationTaster, LRT, GERP++, SiPhy, phyloP, and phastCons. The REVEL score for an individual missense variant can range from 0 to 1, with higher scores reflecting greater likelihood that the variant is disease-causing. For these reasons this variant has been classified as Likely Pathogenic.

NM_002495.4(NDUFS4):c.351-1G>C

Gene: NDUFS4 (NADH:ubiquinone oxidoreductase subunit S4; plus strand). Cytogenetic location: 5q11.2.
Variant type: single nucleotide variant.
Coding change: c.351-1G>C on transcript NM_002495.4 (MANE Select); the canonical splice acceptor site of the intron before coding-DNA position 351, G replaced by C.
Molecular consequence: splice acceptor variant. On other transcripts: intron variant (1).
Genome position (GRCh38, 1-based): chr5:53,658,550, G>C. VCF-style: chr5-53658550-G-C. GRCh37 (hg19) VCF-style: chr5-52954380-G-C.
Other names: c.350+12145G>C (NM_001318051.2).
Identifiers: ClinVar variation 2502291 (VCV002502291.1), dbSNP rs989180511, ClinGen allele CA359719109.